The following is an entry in ClinVar:

ClinVar aggregate classification (germline): Likely benign. Review status: criteria provided, single submitter (1 of 4 stars). 2 submissions from 2 submitters: Likely benign (1). 1 of the submissions does not count toward it. Last evaluated 2024-11-01.

Conditions:
ZNF142-related disorder. Also called: ZNF142-related condition.

Allele frequency attached by ClinVar (database versions not stated): gnomAD exomes 0.00043 and 0.00085; ESP Exome Variant Server 0.00049; ExAC 0.00051; gnomAD 0.00077 and 0.00078; TOPMed 0.00114; 1000 Genomes Project 30x 0.00125; 1000 Genomes Project 0.00140.

Submissions (2):

CeGaT Center for Human Genetics Tuebingen
Classification: Likely benign. Last evaluated: 2024-11-01. Review status: criteria provided, single submitter. Criteria: CeGaT Center For Human Genetics Tuebingen Variant Classification Criteria Version 2. Collection method: clinical testing. Allele origin: germline. Affected: yes. Observed: 2 variant alleles.
Comment: ZNF142: BP4, BP7

PreventionGenetics, part of Exact Sciences
Classification: Likely benign for ZNF142-related condition. Last evaluated: 2019-12-23. Review status: no assertion criteria provided. Collection method: clinical testing. Allele origin: germline. Not counted in ClinVar's aggregate classification.
Comment: This variant is classified as likely benign based on ACMG/AMP sequence variant interpretation guidelines (Richards et al. 2015 PMID: 25741868, with internal and published modifications).

NM_001379659.1(ZNF142):c.945G>A (p.Gln315=)

Gene: ZNF142 (zinc finger protein 142; minus strand). Cytogenetic location: 2q35.
Variant type: single nucleotide variant.
Coding change: c.945G>A on transcript NM_001379659.1 (MANE Select); coding-DNA position 945, G replaced by A.
Protein change: p.Gln315=; no amino-acid change (glutamine 315 retained).
Molecular consequence: synonymous variant.
Genome position (GRCh38, 1-based): chr2:218,650,462, C>T on the plus strand (G>A on the coding strand, the complement: ZNF142 is on the minus strand). VCF-style: chr2-218650462-C-T. GRCh37 (hg19) VCF-style: chr2-219515185-C-T.
Other names: c.345G>A, p.Gln115= (NM_001105537.5, NM_001366291.3, NM_001379662.1); c.-145G>A (NM_001366287.3, NM_001366288.3, NM_001366289.3); c.945G>A, p.Gln315= (NM_001366290.3, NM_001379660.1, NM_001379661.1).
Identifiers: ClinVar variation 1675840 (VCV001675840.34), dbSNP rs186337382, ClinGen allele CA2109460.
Genomic context (GRCh38, chr2:218,650,462, plus strand): 5'-GGAGTCCTTCTGGGTGTCACTCTTCTCTTCTTTCTCTACATTCTCCTCTTCAGCTGTCTC[C>T]TGCCCAGGCAAGGGTGTACCTGCTTCCTGTGAAGGTTCTCTCTCTCCTGGAGGCAGTTTG-3'
Protein context (NP_001366588.1, residues 305-325): SQEAGTPLPG[Gln315=]ETAEEENVEK